The following is an entry in ClinVar:

NM_001378615.1(CC2D2A):c.1042G>A (p.Gly348Ser)

Genes: CC2D2A (coiled-coil and C2 domain containing 2A; plus strand), FBXL5 (F-box and leucine rich repeat protein 5; minus strand). Cytogenetic location: 4p15.32.
Variant type: single nucleotide variant.
Coding change: c.1042G>A on transcript NM_001378615.1 (MANE Select); coding-DNA position 1042, G replaced by A.
Protein change: p.Gly348Ser; replaces glycine 348 with serine.
Molecular consequence: missense variant.
Genome position (GRCh38, 1-based): chr4:15,516,649, G>A. VCF-style: chr4-15516649-G-A. GRCh37 (hg19) VCF-style: chr4-15518272-G-A.
Other names: c.1042G>A, p.Gly348Ser (NM_001080522.2); c.895G>A, p.Gly299Ser (NM_001378617.1); short protein forms G348S, G299S.
Identifiers: ClinVar variation 2041102 (VCV002041102.2), dbSNP rs753091095, ClinGen allele CA2863554.

ClinVar aggregate classification (germline): Uncertain significance. Review status: criteria provided, multiple submitters, no conflicts (2 of 4 stars). 2 submissions from 2 submitters: Uncertain significance (2). Last evaluated 2024-04-23.

Conditions:
Joubert syndrome. Also called: JOUBERT-BOLTSHAUSER SYNDROME; Familial aplasia of the vermis. Identifiers: Orphanet 475, MedGen C5979921, MONDO:0018772.
Meckel-Gruber syndrome. Also called: DYSENCEPHALIA SPLANCHNOCYSTICA; GRUBER SYNDROME; Dysencephalia splachnocystica. Identifiers: Orphanet 564, MedGen C0265215, MONDO:0018921.

Allele frequency attached by ClinVar (database versions not stated): gnomAD 0.00002; gnomAD exomes 0.00002; TOPMed 0.00002; ExAC 0.00003.
gnomAD v4.1: 28 of 1,612,600 alleles (0.0017%); highest among the groups gnomAD compares: South Asian, 0.019%; no homozygotes.

Submissions (2):

GeneDx
Classification: Uncertain significance. Last evaluated: 2024-04-23. Review status: criteria provided, single submitter. Criteria: GeneDx Variant Classification Process June 2021. Collection method: clinical testing. Allele origin: germline. Affected: yes.
Comment: Not observed at significant frequency in large population cohorts (gnomAD); In silico analysis supports that this missense variant has a deleterious effect on protein structure/function; Has not been previously published as pathogenic or benign to our knowledge

Labcorp Genetics (formerly Invitae), Labcorp
Classification: Uncertain significance for Joubert syndrome; Meckel-Gruber syndrome. Last evaluated: 2022-08-05. Review status: criteria provided, single submitter. Criteria: Invitae Variant Classification Sherloc (09022015). Collection method: clinical testing. Allele origin: germline.
Comment: This sequence change replaces glycine, which is neutral and non-polar, with serine, which is neutral and polar, at codon 348 of the CC2D2A protein (p.Gly348Ser). This variant is present in population databases (rs753091095, gnomAD 0.01%). This variant has not been reported in the literature in individuals affected with CC2D2A-related conditions. Advanced modeling of protein sequence and biophysical properties (such as structural, functional, and spatial information, amino acid conservation, physicochemical variation, residue mobility, and thermodynamic stability) performed at Invitae indicates that this missense variant is expected to disrupt CC2D2A protein function. In summary, the available evidence is currently insufficient to determine the role of this variant in disease. Therefore, it has been classified as a Variant of Uncertain Significance.